The following is an entry in ClinVar:

ClinVar aggregate classification (germline): Uncertain significance (1 of 4 stars; one submission).

Conditions:
Idiopathic Pulmonary Fibrosis. Also called: Idiopathic fibrosing alveolitis, chronic form; idiopathic fibrosing alveolitis. Identifiers: Orphanet 2032, MedGen C1800706, MeSH D054990, MONDO:0800504.
Dyskeratosis congenita, autosomal dominant 2. Identifiers: MedGen C3151443, MONDO:0013521, OMIM 613989.

Allele frequency attached by ClinVar (database versions not stated): gnomAD exomes below 0.00001.
gnomAD v4.1: 2 of 1,613,140 alleles (0.00012%); highest among the groups gnomAD compares: Non-Finnish European, 0.00017%; no homozygotes.

Submission:

Labcorp Genetics (formerly Invitae), Labcorp
Classification: Uncertain significance for Dyskeratosis congenita, autosomal dominant 2; Idiopathic Pulmonary Fibrosis. Last evaluated: 2021-06-15. Review status: criteria provided, single submitter. Criteria: Invitae Variant Classification Sherloc (09022015). Collection method: clinical testing. Allele origin: germline.
Comment: In summary, the available evidence is currently insufficient to determine the role of this variant in disease. Therefore, it has been classified as a Variant of Uncertain Significance. Nucleotide substitutions within the consensus splice site are a relatively common cause of aberrant splicing (PMID: 17576681, 9536098). Algorithms developed to predict the effect of sequence changes on RNA splicing suggest that this variant is not likely to affect RNA splicing, but this prediction has not been confirmed by published transcriptional studies. This variant has not been reported in the literature in individuals with TERT-related conditions. This variant is not present in population databases (ExAC no frequency). This sequence change falls in intron 15 of the TERT gene. It does not directly change the encoded amino acid sequence of the TERT protein. It affects a nucleotide within the consensus splice site of the intron.

Literature cited by the submitters: PubMed 17576681; PubMed 9536098.

NM_198253.3(TERT):c.3295+5G>A

Gene: TERT (telomerase reverse transcriptase; minus strand). Cytogenetic location: 5p15.33.
Variant type: single nucleotide variant.
Coding change: c.3295+5G>A on transcript NM_198253.3 (MANE Select); 5 bases into the intron after coding-DNA position 3295, G replaced by A.
Molecular consequence: intron variant.
Genome position (GRCh38, 1-based): chr5:1,254,363, C>T on the plus strand (G>A on the coding strand, the complement: TERT is on the minus strand). VCF-style: chr5-1254363-C-T. GRCh37 (hg19) VCF-style: chr5-1254478-C-T.
Other names: c.3106+5G>A (NM_001193376.3).
Identifiers: ClinVar variation 1407376 (VCV001407376.6), dbSNP rs2126559305, ClinGen allele CA2573138603.